The following is an entry in ClinVar:

NM_014946.4(SPAST):c.118C>T (p.Pro40Ser)

Gene: SPAST (spastin; plus strand). Cytogenetic location: 2p22.3.
Variant type: single nucleotide variant.
Coding change: c.118C>T on transcript NM_014946.4 (MANE Select); coding-DNA position 118, C replaced by T.
Protein change: p.Pro40Ser; replaces proline 40 with serine.
Molecular consequence: missense variant.
Genome position (GRCh38, 1-based): chr2:32,063,949, C>T. VCF-style: chr2-32063949-C-T. GRCh37 (hg19) VCF-style: chr2-32289018-C-T.
Other names: c.118C>T, p.Pro40Ser (NM_001363823.2, NM_001363875.2, NM_001377959.1 and 1 more transcripts); short protein forms P40S.
Identifiers: ClinVar variation 3626608 (VCV003626608.2).

ClinVar aggregate classification (germline): Uncertain significance (1 of 4 stars; one submission).

Conditions:
Hereditary spastic paraplegia 4. Also called: Familial spastic paraplegia autosomal dominant 2; Spastic paraplegia 4, autosomal dominant; Spastic Paraplegia 4. Identifiers: Orphanet 100985, MedGen C1866855, MONDO:0008438, OMIM 182601.

Submission:

Labcorp Genetics (formerly Invitae), Labcorp
Classification: Uncertain significance for Hereditary spastic paraplegia 4. Last evaluated: 2024-07-31. Review status: criteria provided, single submitter. Criteria: Invitae Variant Classification Sherloc (09022015). Collection method: clinical testing. Allele origin: germline.
Comment: This sequence change replaces proline, which is neutral and non-polar, with serine, which is neutral and polar, at codon 40 of the SPAST protein (p.Pro40Ser). This variant is present in population databases (rs763680682, gnomAD 0.0009%). This variant has not been reported in the literature in individuals affected with SPAST-related conditions. Advanced modeling of protein sequence and biophysical properties (such as structural, functional, and spatial information, amino acid conservation, physicochemical variation, residue mobility, and thermodynamic stability) performed at Invitae indicates that this missense variant is not expected to disrupt SPAST protein function with a negative predictive value of 95%. In summary, the available evidence is currently insufficient to determine the role of this variant in disease. Therefore, it has been classified as a Variant of Uncertain Significance.